The following is an entry in ClinVar:

NM_004933.3(CDH15):c.1920G>A (p.Leu640=)

Gene: CDH15 (cadherin 15; plus strand). Cytogenetic location: 16q24.3.
Variant type: single nucleotide variant.
Coding change: c.1920G>A on transcript NM_004933.3 (MANE Select); coding-DNA position 1920, G replaced by A.
Protein change: p.Leu640=; no amino-acid change (leucine 640 retained).
Molecular consequence: synonymous variant.
Genome position (GRCh38, 1-based): chr16:89,193,534, G>A. VCF-style: chr16-89193534-G-A. GRCh37 (hg19) VCF-style: chr16-89259942-G-A.
Identifiers: ClinVar variation 1336693 (VCV001336693.28), dbSNP rs1915708263, ClinGen allele CA497149909.

ClinVar aggregate classification (germline): Likely benign. Review status: criteria provided, multiple submitters, no conflicts (2 of 4 stars). 2 submissions from 2 submitters: Likely benign (2). Last evaluated 2022-05-01.

Allele frequency attached by ClinVar (database versions not stated): gnomAD exomes below 0.00001; TOPMed below 0.00001.

Submissions (2):

CeGaT Center for Human Genetics Tuebingen
Classification: Likely benign. Last evaluated: 2022-05-01. Review status: criteria provided, single submitter. Criteria: CeGaT Center For Human Genetics Tuebingen Variant Classification Criteria Version 2. Collection method: clinical testing. Allele origin: germline. Affected: yes. Observed: 1 variant allele.
Comment: CDH15: PM2:Supporting, BP4, BP7

Genetic Services Laboratory, University of Chicago
Classification: Likely benign. Last evaluated: 2018-06-04. Review status: criteria provided, single submitter. Criteria: ACMG Guidelines, 2015. Collection method: clinical testing. Allele origin: germline. Affected: no.